The following is an entry in ClinVar:

NM_017671.5(FERMT1):c.862C>T (p.Arg288Ter)

Gene: FERMT1 (FERM domain containing kindlin 1; minus strand). Cytogenetic location: 20p12.3.
Variant type: single nucleotide variant.
Coding change: c.862C>T on transcript NM_017671.5 (MANE Select); coding-DNA position 862, C replaced by T.
Protein change: p.Arg288Ter; replaces arginine 288 with a stop codon.
Molecular consequence: nonsense.
Genome position (GRCh38, 1-based): chr20:6,097,619, G>A on the plus strand (C>T on the coding strand, the complement: FERMT1 is on the minus strand). VCF-style: chr20-6097619-G-A. GRCh37 (hg19) VCF-style: chr20-6078266-G-A.
Other names: short protein forms R288*.
Identifiers: ClinVar variation 2718 (VCV000002718.10), dbSNP rs121918294, ClinGen allele CA115716.

ClinVar aggregate classification (germline): Pathogenic. Review status: criteria provided, multiple submitters, no conflicts (2 of 4 stars). 5 submissions from 5 submitters: Pathogenic (3). 2 of the submissions do not count toward it. Last evaluated 2024-07-30.

Conditions:
Kindler syndrome (KNDLRS). Also called: BULLOUS ACROKERATOTIC POIKILODERMA OF KINDLER AND WEARY; Poikiloderma of Kindler; Congenital bullous poikiloderma; POIKILODERMA, CONGENITAL, WITH BULLAE, WEARY TYPE; POIKILODERMA, HEREDITARY ACROKERATOTIC; Hereditary acrokeratotic poikiloderma of Weary. Identifiers: Orphanet 2908, Orphanet 306539, MedGen C0406557, MONDO:0008260, OMIM 173650.

Allele frequency attached by ClinVar (database versions not stated): gnomAD 0.00001; TOPMed 0.00001.
gnomAD v4.1: 9 of 1,612,098 alleles (0.00056%); highest among the groups gnomAD compares: African/African-American, 0.0027%; no homozygotes.

Submissions (5):

3billion
Classification: Pathogenic for Kindler syndrome. Last evaluated: 2024-07-30. Review status: criteria provided, single submitter. Criteria: ACMG Guidelines, 2015. Collection method: clinical testing. Allele origin: germline. Affected: yes.
Comment: The variant is observed at an extremely low frequency in the gnomAD v4.0.0 dataset (total allele frequency: <0.001%). Predicted Consequence/Location: Stop-gained (nonsense): predicted to result in a loss or disruption of normal protein function through nonsense-mediated decay (NMD) or protein truncation. Multiple pathogenic variants are reported downstream of the variant. The variant has been reported at least twice as pathogenic without evidence for the classification (ClinVar ID: VCV000002718 /PMID: 12789646). Therefore, this variant is classified as Pathogenic according to the recommendation of ACMG/AMP guideline.

Labcorp Genetics (formerly Invitae), Labcorp
Classification: Pathogenic. Last evaluated: 2022-10-03. Review status: criteria provided, single submitter. Criteria: Invitae Variant Classification Sherloc (09022015). Collection method: clinical testing. Allele origin: germline.
Comment: This premature translational stop signal has been observed in individual(s) with Kindler syndrome (PMID: 12789646). This variant is not present in population databases (gnomAD no frequency). This sequence change creates a premature translational stop signal (p.Arg288*) in the FERMT1 gene. It is expected to result in an absent or disrupted protein product. Loss-of-function variants in FERMT1 are known to be pathogenic (PMID: 14962093, 21936020). For these reasons, this variant has been classified as Pathogenic. ClinVar contains an entry for this variant (Variation ID: 2718).

Molecular Genetics, Royal Melbourne Hospital
Classification: Pathogenic for Kindler syndrome. Last evaluated: 2022-03-03. Review status: criteria provided, single submitter. Criteria: ACMG Guidelines, 2015. Collection method: clinical testing. Allele origin: germline. Affected: yes.
Comment: This sequence change in FERMT1 is a nonsense variant predicted to cause a premature stop codon, p.(Arg288*), in biologically-relevant-exon 7/15 leading to nonsense mediated decay in a gene in which loss-of-function is an established disease mechanism (PMID: 26937547). The highest population minor allele frequency in gnomAD v3.1 is 0.002% (1/41,324 alleles) in the African/African American population, which is consistent with recessive disease. This variant has been detected homozygous in at least three individuals with Kindler syndrome from unrelated consanguineous families (PMID: 12789646, 24635075). Based on the classification scheme RMH Modified ACMG Guidelines v1.5.1, this variant is classified as PATHOGENIC. Following criteria are met: PVS1, PM2_Supporting, PM3_Supporting.

OMIM
Classification: Pathogenic for KINDLER SYNDROME. Last evaluated: 2003-07-01. Review status: no assertion criteria provided. Collection method: literature only. Allele origin: germline. Not counted in ClinVar's aggregate classification.

GeneReviews
No classification provided. Condition: Kindler syndrome. Review status: no classification provided. Collection method: literature only. Allele origin: germline. Not counted in ClinVar's aggregate classification.
Comment: Common pathogenic variant

Literature cited by the submitters: PubMed 12789646 (cited by 5 submitters); PubMed 14962093 (cited by Labcorp Genetics (formerly Invitae), Labcorp); PubMed 21936020 (cited by Labcorp Genetics (formerly Invitae), Labcorp); PubMed 24635075 (cited by Molecular Genetics, Royal Melbourne Hospital and GeneReviews); PubMed 26937547 (cited by Molecular Genetics, Royal Melbourne Hospital); NCBI Bookshelf NBK349072 (cited by GeneReviews).